The following is an entry in ClinVar:

ClinVar aggregate classification (germline): Likely benign. Review status: criteria provided, multiple submitters, no conflicts (2 of 4 stars). 2 submissions from 2 submitters: Likely benign (2). Last evaluated 2025-12-08.

Allele frequency attached by ClinVar (database versions not stated): gnomAD below 0.00001 and 0.00002; gnomAD exomes 0.00001 and 0.00006; TOPMed 0.00001; ExAC 0.00006; 1000 Genomes Project 30x 0.00047; 1000 Genomes Project 0.00060.
gnomAD v4.1: 24 of 1,575,688 alleles (0.0015%); highest among the groups gnomAD compares: East Asian, 0.02%; no homozygotes.

Submissions (2):

Labcorp Genetics (formerly Invitae), Labcorp
Classification: Likely benign. Last evaluated: 2025-12-08. Review status: criteria provided, single submitter. Criteria: Invitae Variant Classification Sherloc (09022015). Collection method: clinical testing. Allele origin: germline.

GeneDx
Classification: Likely benign. Last evaluated: 2018-06-06. Review status: criteria provided, single submitter. Criteria: GeneDx Variant Classification (06012015). Collection method: clinical testing. Allele origin: germline. Affected: yes.
Comment: This variant is considered likely benign or benign based on one or more of the following criteria: it is a conservative change, it occurs at a poorly conserved position in the protein, it is predicted to be benign by multiple in silico algorithms, and/or has population frequency not consistent with disease.

NM_016955.4(SEPSECS):c.1027-17A>G

Gene: SEPSECS (Sep (O-phosphoserine) tRNA:Sec (selenocysteine) tRNA synthase; minus strand). Cytogenetic location: 4p15.2.
Variant type: single nucleotide variant.
Coding change: c.1027-17A>G on transcript NM_016955.4 (MANE Select); 17 bases into the intron before coding-DNA position 1027, A replaced by G.
Molecular consequence: intron variant.
Genome position (GRCh38, 1-based): chr4:25,127,374, T>C on the plus strand (A>G on the coding strand, the complement: SEPSECS is on the minus strand). VCF-style: chr4-25127374-T-C. GRCh37 (hg19) VCF-style: chr4-25128996-T-C.
Identifiers: ClinVar variation 669040 (VCV000669040.6), dbSNP rs572504035, ClinGen allele CA2877263.
Genomic context (GRCh38, chr4:25,127,374, plus strand): 5'-TCTGACAACTTCTTTATTTGGTTGGACAAATATGAAAACATTTCCTGCAACAACAAAATG[T>C]CACATTTAAAACAAATCAAATATCTACTGCCAGATTTAATAAGACAAAAATCTGATTGGT-3'